The following is an entry in ClinVar:

NM_004006.3(DMD):c.9564-427T>G

Gene: DMD (dystrophin; minus strand). Cytogenetic location: Xp21.2.
Variant type: single nucleotide variant.
Coding change: c.9564-427T>G on transcript NM_004006.3 (MANE Select); 427 bases into the intron before coding-DNA position 9564, T replaced by G.
Molecular consequence: intron variant.
Genome position (GRCh38, 1-based): chrX:31,207,094, A>C on the plus strand (T>G on the coding strand, the complement: DMD is on the minus strand). VCF-style: chrX-31207094-A-C. GRCh37 (hg19) VCF-style: chrX-31225211-A-C.
Other names: c.9540-427T>G (NM_000109.4); c.5541-427T>G (NM_004011.4); c.5532-427T>G (NM_004012.4); c.2184-427T>G (NM_004023.3, NM_004020.4, NM_004022.3 and 2 more transcripts); c.1377-427T>G (NM_004014.3); c.360-427T>G (NM_004018.3, NM_004017.3, NM_004016.3 and 2 more transcripts); c.9552-427T>G (NM_004009.3); c.9195-427T>G (NM_004010.3).
Identifiers: ClinVar variation 4996430 (VCV004996430.1).

ClinVar aggregate classification (germline): Likely pathogenic (1 of 4 stars; one submission).

Conditions:
DMD-related disorder. Also called: DMD-related condition.

Submission:

PreventionGenetics, part of Exact Sciences
Classification: Likely pathogenic for DMD-related condition. Last evaluated: 2025-12-19. Review status: criteria provided, single submitter. Criteria: ACMG Guidelines, 2015. Collection method: clinical testing. Allele origin: germline.
Comment: The DMD c.9564-427T>G variant is predicted to interfere with splicing. This variant t has been reported in individuals with Duchenne muscular dystrophy (DMD) or a family history of DMD (Sedlácková et al. 2009. PubMed ID: 19783145; Zhang et al. 2019. PubMed ID: 31727011; Table S2. Xie et al. 2020. PubMed ID: 33050418). Two independent studies indicate that this variant results in a pseudoexon inclusion (c.9563_9564ins9564-484_9564-432) and a premature protein truncation (Sedlácková et al. 2009. PubMed ID: 19783145; Table S2. Xie et al. 2020. PubMed ID: 33050418). This variant has not been reported in a large population database (gnomAD), indicating this variant is rare. This variant is interpreted as likely pathogenic.